The following is an entry in ClinVar:

ClinVar aggregate classification (germline): Likely benign. Review status: criteria provided, multiple submitters, no conflicts (2 of 4 stars). 3 submissions from 3 submitters: Likely benign (3). Last evaluated 2026-06-01.

Allele frequency attached by ClinVar (database versions not stated): TOPMed 0.00002; gnomAD exomes 0.00003 and 0.00004; gnomAD 0.00005; ExAC 0.00006.
gnomAD v4.1: 69 of 1,547,390 alleles (0.0045%); highest among the groups gnomAD compares: Non-Finnish European, 0.0054%; no homozygotes.

Submissions (3):

CeGaT Center for Human Genetics Tuebingen
Classification: Likely benign. Last evaluated: 2026-06-01. Review status: criteria provided, single submitter. Criteria: CeGaT Center For Human Genetics Tuebingen Variant Classification Criteria Version 2. Collection method: clinical testing. Allele origin: germline. Affected: yes. Observed: 1 variant allele.
Comment: EIF2B4: BP4, BP7

Labcorp Genetics (formerly Invitae), Labcorp
Classification: Likely benign. Last evaluated: 2025-04-18. Review status: criteria provided, single submitter. Criteria: Invitae Variant Classification Sherloc (09022015). Collection method: clinical testing. Allele origin: germline.

Blueprint Genetics
Classification: Likely benign. Last evaluated: 2024-07-19. Review status: criteria provided, single submitter. Criteria: ACMG Guidelines, 2015. Collection method: clinical testing. Allele origin: germline.

NM_001034116.2(EIF2B4):c.24T>C (p.Val8=)

Gene: EIF2B4 (eukaryotic translation initiation factor 2B subunit delta; minus strand). Cytogenetic location: 2p23.3.
Variant type: single nucleotide variant.
Coding change: c.24T>C on transcript NM_001034116.2 (MANE Select); coding-DNA position 24, T replaced by C.
Protein change: p.Val8=; no amino-acid change (valine 8 retained).
Molecular consequence: synonymous variant. On other transcripts: 5 prime UTR variant (3).
Genome position (GRCh38, 1-based): chr2:27,370,291, A>G on the plus strand (T>C on the coding strand, the complement: EIF2B4 is on the minus strand). VCF-style: chr2-27370291-A-G. GRCh37 (hg19) VCF-style: chr2-27593158-A-G.
Other names: c.-200T>C (NM_001318966.2); c.-63T>C (NM_001318967.2); c.-569T>C (NM_001318969.2); c.24T>C, p.Val8= (NM_015636.4).
Identifiers: ClinVar variation 1580257 (VCV001580257.11), dbSNP rs760688449, ClinGen allele CA1577074.
Genomic context (GRCh38, chr2:27,370,291, plus strand): 5'-TCCGGAGCTCGTCGGCTCCGCGTACCAGTAGGCAGGCCCGGCTCTTCACTCACCCTCGCG[A>G]ACAGCCACGGCCACAGCAGCCATCGCCCTCAGTCCTAGGCTCCGCCCGCCGTGGTCACGG-3'
Protein context (NP_001029288.1, residues 1-18): MAAVAVA[Val8=]REDSGSGMKA